The following is an entry in ClinVar:

NM_177438.3(DICER1):c.2192A>G (p.Glu731Gly)

Gene: DICER1 (dicer 1, ribonuclease III; minus strand). Cytogenetic location: 14q32.13.
Variant type: single nucleotide variant.
Coding change: c.2192A>G on transcript NM_177438.3 (MANE Select); coding-DNA position 2192, A replaced by G.
Protein change: p.Glu731Gly; replaces glutamic acid 731 with glycine.
Molecular consequence: missense variant. On other transcripts: non-coding transcript variant (6).
Genome position (GRCh38, 1-based): chr14:95,111,381, T>C on the plus strand (A>G on the coding strand, the complement: DICER1 is on the minus strand). VCF-style: chr14-95111381-T-C. GRCh37 (hg19) VCF-style: chr14-95577718-T-C.
Other names: c.2192A>G, p.Glu731Gly (NM_001195573.1, NM_001271282.3, NM_001291628.2 and 13 more transcripts); c.1910A>G, p.Glu637Gly (NM_001395686.1); c.1787A>G, p.Glu596Gly (NM_001395687.1, NM_001395688.1, NM_001395689.1 and 3 more transcripts); c.1625A>G, p.Glu542Gly (NM_001395691.1); c.509A>G, p.Glu170Gly (NM_001395697.1); short protein forms E170G, E542G, E596G, E731G, E637G.
Identifiers: ClinVar variation 1787437 (VCV001787437.2), dbSNP rs2542912474, ClinGen allele CA390882662.

ClinVar aggregate classification (germline): Uncertain significance (1 of 4 stars; one submission).

Conditions:
Hereditary cancer-predisposing syndrome. Also called: Neoplastic Syndromes, Hereditary; Tumor predisposition; Hereditary Cancer Syndrome; Hereditary neoplastic syndrome. Identifiers: Orphanet 140162, MedGen C0027672, MeSH D009386, MONDO:0015356.

Allele frequency attached by ClinVar (database versions not stated): gnomAD exomes below 0.00001.
gnomAD v4.1: 1 of 1,614,186 alleles (0.000062%); highest among the groups gnomAD compares: Non-Finnish European, 0.000085%; no homozygotes.

Submission:

Ambry Genetics
Classification: Uncertain significance for Hereditary cancer-predisposing syndrome. Last evaluated: 2020-10-14. Review status: criteria provided, single submitter. Criteria: Ambry Variant Classification Scheme 2023. Collection method: clinical testing. Allele origin: germline.
Comment: The p.E731G variant (also known as c.2192A>G), located in coding exon 13 of the DICER1 gene, results from an A to G substitution at nucleotide position 2192. The glutamic acid at codon 731 is replaced by glycine, an amino acid with similar properties. This amino acid position is highly conserved in available vertebrate species. In addition, the in silico prediction for this alteration is inconclusive. Since supporting evidence is limited at this time, the clinical significance of this alteration remains unclear.